The following is an entry in ClinVar:

NM_001034850.3(RETREG1):c.457A>G (p.Ser153Gly)

Gene: RETREG1 (reticulophagy regulator 1; minus strand). Cytogenetic location: 5p15.1.
Variant type: single nucleotide variant.
Coding change: c.457A>G on transcript NM_001034850.3 (MANE Select); coding-DNA position 457, A replaced by G.
Protein change: p.Ser153Gly; replaces serine 153 with glycine.
Molecular consequence: missense variant.
Genome position (GRCh38, 1-based): chr5:16,565,764, T>C on the plus strand (A>G on the coding strand, the complement: RETREG1 is on the minus strand). VCF-style: chr5-16565764-T-C. GRCh37 (hg19) VCF-style: chr5-16565873-T-C.
Other names: short protein forms S153G.
Identifiers: ClinVar variation 538132 (VCV000538132.11), dbSNP rs1554022467, ClinGen allele CA359292235.

ClinVar aggregate classification (germline): Uncertain significance. Review status: criteria provided, multiple submitters, no conflicts (2 of 4 stars). 2 submissions from 2 submitters: Uncertain significance (2). Last evaluated 2026-02-02.

Allele frequency attached by ClinVar (database versions not stated): gnomAD exomes below 0.00001.
gnomAD v4.1: 1 of 1,613,892 alleles (0.000062%); highest among the groups gnomAD compares: Non-Finnish European, 0.000085%; no homozygotes.

Submissions (2):

GeneDx
Classification: Uncertain significance. Last evaluated: 2026-02-02. Review status: criteria provided, single submitter. Criteria: GeneDx Variant Classification Process June 2021. Collection method: clinical testing. Allele origin: germline.
Comment: Not observed at significant frequency in large population cohorts (gnomAD); In silico analysis supports a deleterious effect on splicing; In silico analysis supports that this missense variant does not alter protein structure/function; Has not been previously published as pathogenic or benign to our knowledge

Labcorp Genetics (formerly Invitae), Labcorp
Classification: Uncertain significance. Last evaluated: 2024-03-01. Review status: criteria provided, single submitter. Criteria: Invitae Variant Classification Sherloc (09022015). Collection method: clinical testing. Allele origin: germline.
Comment: This sequence change replaces serine, which is neutral and polar, with glycine, which is neutral and non-polar, at codon 153 of the RETREG1 protein (p.Ser153Gly). This variant is not present in population databases (gnomAD no frequency). This missense change has been observed in individual(s) with clinical features of hereditary sensory and autonomic neuropathy (Invitae). ClinVar contains an entry for this variant (Variation ID: 538132). An algorithm developed to predict the effect of missense changes on protein structure and function (PolyPhen-2) suggests that this variant is likely to be disruptive. Algorithms developed to predict the effect of sequence changes on RNA splicing suggest that this variant may disrupt the consensus splice site. In summary, the available evidence is currently insufficient to determine the role of this variant in disease. Therefore, it has been classified as a Variant of Uncertain Significance.